The following is an entry in ClinVar:

ClinVar aggregate classification (germline): Uncertain significance (1 of 4 stars; one submission).

Submission:

Labcorp Genetics (formerly Invitae), Labcorp
Classification: Uncertain significance. Last evaluated: 2025-05-05. Review status: criteria provided, single submitter. Criteria: Invitae Variant Classification Sherloc (09022015). Collection method: clinical testing. Allele origin: germline.
Comment: This variant, c.234_236dup, results in the insertion of 1 amino acid(s) of the PDE4D protein (p.Pro80dup), but otherwise preserves the integrity of the reading frame. This variant is not present in population databases (gnomAD no frequency). This variant has not been reported in the literature in individuals affected with PDE4D-related conditions. Experimental studies and prediction algorithms are not available or were not evaluated, and the functional significance of this variant is currently unknown. In summary, the available evidence is currently insufficient to determine the role of this variant in disease. Therefore, it has been classified as a Variant of Uncertain Significance.

NM_001104631.2(PDE4D):c.222GCC[6] (p.Pro80_Leu81insPro)

Gene: PDE4D (phosphodiesterase 4D; minus strand). Cytogenetic location: 5q12.1.
Variant type: Microsatellite.
Coding change: c.222GCC[6] on transcript NM_001104631.2 (MANE Select); six copies in a row of the 3-base unit GCC starting at c.222; the reference has five copies in a row; one copy, 3 bases duplicated.
Protein change: p.Pro80_Leu81insPro.
Molecular consequence: intron variant (on NM_001364599.1).
Genome position (GRCh38, 1-based): chr5:59,893,387-59,893,389, GGC duplicated on the plus strand (GCC on the coding strand, the reverse complement: PDE4D is on the minus strand); duplicating any 3 consecutive bases within chr5:59,893,387-59,893,401 gives the same sequence; the position shown is the placement nearest the transcript's 3' end. VCF-style (leftmost placement, unchanged base first): chr5-59893386-G-GGGC. GRCh37 (hg19) VCF-style: chr5-59189213-G-GGGC.
Other names: c.272+95087GCC[6] (NM_001364599.1, NM_001165899.2, NM_001364600.2); c.-240+95087GCC[6] (NM_001349243.2); c.242+95087GCC[6] (NM_001349241.2).
Identifiers: ClinVar variation 2906806 (VCV002906806.3), dbSNP rs767864920, ClinGen allele CA119327195.